The following is an entry in ClinVar:

ClinVar aggregate classification (germline): Conflicting classifications of pathogenicity. Review status: criteria provided, conflicting classifications (1 of 4 stars). 4 submissions from 4 submitters: Uncertain significance (3); Likely benign (1). Last evaluated 2025-04-12.

Conditions:
Inborn genetic diseases. Identifiers: MedGen C0950123, MeSH D030342.

Allele frequency attached by ClinVar (database versions not stated): ExAC 0.00002; gnomAD exomes 0.00004; gnomAD 0.00005; TOPMed 0.00007; ESP Exome Variant Server 0.00015.

Submissions (4):

Ambry Genetics
Classification: Likely benign for Inborn genetic diseases. Last evaluated: 2025-04-12. Review status: criteria provided, single submitter. Criteria: Ambry Variant Classification Scheme 2023. Collection method: clinical testing. Allele origin: germline.

Blueprint Genetics
Classification: Uncertain significance. Last evaluated: 2024-06-04. Review status: criteria provided, single submitter. Criteria: ACMG Guidelines, 2015. Collection method: clinical testing. Allele origin: germline.

Labcorp Genetics (formerly Invitae), Labcorp
Classification: Uncertain significance. Last evaluated: 2022-04-20. Review status: criteria provided, single submitter. Criteria: Invitae Variant Classification Sherloc (09022015). Collection method: clinical testing. Allele origin: germline.
Comment: This sequence change replaces isoleucine, which is neutral and non-polar, with valine, which is neutral and non-polar, at codon 181 of the CYP4V2 protein (p.Ile181Val). This variant is present in population databases (rs201006021, gnomAD 0.008%). This variant has not been reported in the literature in individuals affected with CYP4V2-related conditions. ClinVar contains an entry for this variant (Variation ID: 284229). Advanced modeling of protein sequence and biophysical properties (such as structural, functional, and spatial information, amino acid conservation, physicochemical variation, residue mobility, and thermodynamic stability) performed at Invitae indicates that this missense variant is not expected to disrupt CYP4V2 protein function. In summary, the available evidence is currently insufficient to determine the role of this variant in disease. Therefore, it has been classified as a Variant of Uncertain Significance.

Eurofins Ntd Llc (ga)
Classification: Uncertain significance. Last evaluated: 2015-11-07. Review status: criteria provided, single submitter. Criteria: EGL Classification Definitions 2015. Collection method: clinical testing. Allele origin: germline. Observed: 1 variant allele, 1 heterozygote.

NM_207352.4(CYP4V2):c.541A>G (p.Ile181Val)

Gene: CYP4V2 (cytochrome P450 family 4 subfamily V member 2; plus strand). Cytogenetic location: 4q35.1.
Variant type: single nucleotide variant.
Coding change: c.541A>G on transcript NM_207352.4 (MANE Select); coding-DNA position 541, A replaced by G.
Protein change: p.Ile181Val; replaces isoleucine 181 with valine.
Molecular consequence: missense variant.
Genome position (GRCh38, 1-based): chr4:186,197,067, A>G. VCF-style: chr4-186197067-A-G. GRCh37 (hg19) VCF-style: chr4-187118221-A-G.
Other names: c.541A>G (NM_207352.3); short protein forms I181V.
Identifiers: ClinVar variation 284229 (VCV000284229.14), dbSNP rs201006021, ClinGen allele CA3162578.